The following is an entry in ClinVar:

NM_001195272.2(TEX13C):c.115C>T (p.Arg39Cys)

Gene: TEX13C (TEX13 family member C; plus strand). Cytogenetic location: Xq25.
Variant type: single nucleotide variant.
Coding change: c.115C>T on transcript NM_001195272.2 (MANE Select); coding-DNA position 115, C replaced by T.
Protein change: p.Arg39Cys; replaces arginine 39 with cysteine.
Molecular consequence: missense variant.
Genome position (GRCh38, 1-based): chrX:125,320,234, C>T. VCF-style: chrX-125320234-C-T. GRCh37 (hg19) VCF-style: chrX-124454083-C-T.
Other names: short protein forms R39C.
Identifiers: ClinVar variation 2661370 (VCV002661370.24), dbSNP rs375899922, ClinGen allele CA335366089.
Genomic context (GRCh38, chrX:125,320,234, plus strand): 5'-AGGTTCATCAACAATGAAGTCCTCAGGAACGGCGGCAGCCCAGCCTTTTACACGGCCTTC[C>T]GCTCGCGGCCGTGGAACGAGGTAGAGGACCGGCTTCGGGCCATTGTGGCCGACCCGCGGG-3'
Protein context (NP_001182201.1, residues 29-49): GGSPAFYTAF[Arg39Cys]SRPWNEVEDR

ClinVar aggregate classification (germline): Likely benign (1 of 4 stars; one submission).

Allele frequency attached by ClinVar (database versions not stated): gnomAD exomes 0.00002; gnomAD 0.00008; TOPMed 0.00012.

Submission:

CeGaT Center for Human Genetics Tuebingen
Classification: Likely benign. Last evaluated: 2023-01-01. Review status: criteria provided, single submitter. Criteria: CeGaT Center For Human Genetics Tuebingen Variant Classification Criteria Version 2. Collection method: clinical testing. Allele origin: germline. Affected: yes. Observed: 1 variant allele.
Comment: TEX13C: BP4, BS2